The following is an entry in ClinVar:

NM_001903.5(CTNNA1):c.675C>A (p.Ser225=)

Gene: CTNNA1 (catenin alpha 1; plus strand). Cytogenetic location: 5q31.2.
Variant type: single nucleotide variant.
Coding change: c.675C>A on transcript NM_001903.5 (MANE Select); coding-DNA position 675, C replaced by A.
Protein change: p.Ser225=; no amino-acid change (serine 225 retained).
Molecular consequence: synonymous variant.
Genome position (GRCh38, 1-based): chr5:138,824,616, C>A. VCF-style: chr5-138824616-C-A. GRCh37 (hg19) VCF-style: chr5-138160305-C-A.
Other names: c.675C>A, p.Ser225= (NM_001290307.3, NM_001323982.2, NM_001323983.1 and 3 more transcripts); c.366C>A, p.Ser122= (NM_001290309.3); c.306C>A, p.Ser102= (NM_001290310.3).
Identifiers: ClinVar variation 1090341 (VCV001090341.12), dbSNP rs1581167572, ClinGen allele CA446594542.
Genomic context (GRCh38, chr5:138,824,616, plus strand): 5'-TCAGATGGCTGCAGCTAGAGGAATCCTGCAGAAGAACGTTCCGATCCTCTATACTGCATC[C>A]CAGGCATGCCTACAGCACCCTGATGTCGCAGCCTATAAGGCCAACAGGGACCTGATATAC-3'
Protein context (NP_001894.2, residues 215-235): QKNVPILYTA[Ser225=]QACLQHPDVA

ClinVar aggregate classification (germline): Benign/Likely benign. Review status: criteria provided, multiple submitters, no conflicts (2 of 4 stars). 3 submissions from 3 submitters: Benign (1); Likely benign (2). Last evaluated 2024-10-10.

Conditions:
Hereditary diffuse gastric adenocarcinoma (HDGC). Also called: DIFFUSE GASTRIC AND LOBULAR BREAST CANCER SYNDROME. Identifiers: Orphanet 26106, MedGen C1708349, MONDO:0007648, OMIM 137215.
Hereditary cancer-predisposing syndrome. Also called: Tumor predisposition; Neoplastic Syndromes, Hereditary; Hereditary Cancer Syndrome; Hereditary neoplastic syndrome. Identifiers: Orphanet 140162, MedGen C0027672, MeSH D009386, MONDO:0015356.

Submissions (3):

Myriad Genetics, Inc.
Classification: Benign for Hereditary diffuse gastric adenocarcinoma. Last evaluated: 2024-10-10. Review status: criteria provided, single submitter. Criteria: Myriad Autosomal Dominant, Autosomal Recessive and X-Linked Classification Criteria (2023). Collection method: clinical testing. Allele origin: unknown.
Comment: This variant is considered benign. This variant is a silent/synonymous amino acid change and it is not expected to impact splicing.

Ambry Genetics
Classification: Likely benign for Hereditary cancer-predisposing syndrome. Last evaluated: 2022-04-22. Review status: criteria provided, single submitter. Criteria: Ambry Variant Classification Scheme 2023. Collection method: clinical testing. Allele origin: germline.

Labcorp Genetics (formerly Invitae), Labcorp
Classification: Likely benign. Last evaluated: 2020-10-12. Review status: criteria provided, single submitter. Criteria: Invitae Variant Classification Sherloc (09022015). Collection method: clinical testing. Allele origin: germline.